The following is an entry in ClinVar:

ClinVar aggregate classification (germline): Uncertain significance. Review status: criteria provided, multiple submitters, no conflicts (2 of 4 stars). 2 submissions from 2 submitters: Uncertain significance (2). Last evaluated 2024-01-03.

Conditions:
MHC class I deficiency. Identifiers: Orphanet 34592, MedGen C6024714, MONDO:0011476.
Inborn genetic diseases. Identifiers: MedGen C0950123, MeSH D030342.

Allele frequency attached by ClinVar (database versions not stated): gnomAD exomes 0.00005; gnomAD 0.00006; ESP Exome Variant Server 0.00012; ExAC 0.00006; TOPMed 0.00006.

Submissions (2):

Ambry Genetics
Classification: Uncertain significance for Inborn genetic diseases. Last evaluated: 2024-01-03. Review status: criteria provided, single submitter. Criteria: Ambry Variant Classification Scheme 2023. Collection method: clinical testing. Allele origin: germline.

Labcorp Genetics (formerly Invitae), Labcorp
Classification: Uncertain significance for MHC class I deficiency 1. Last evaluated: 2020-12-21. Review status: criteria provided, single submitter. Criteria: Invitae Variant Classification Sherloc (09022015). Collection method: clinical testing. Allele origin: germline.
Comment: This variant has not been reported in the literature in individuals with TAP2-related conditions. This variant is present in population databases (rs150217191, ExAC 0.01%). This sequence change replaces alanine with valine at codon 500 of the TAP2 protein (p.Ala500Val). The alanine residue is moderately conserved and there is a small physicochemical difference between alanine and valine. In summary, the available evidence is currently insufficient to determine the role of this variant in disease. Therefore, it has been classified as a Variant of Uncertain Significance. Algorithms developed to predict the effect of sequence changes on RNA splicing suggest that this variant may create or strengthen a splice site, but this prediction has not been confirmed by published transcriptional studies. Algorithms developed to predict the effect of missense changes on protein structure and function are either unavailable or do not agree on the potential impact of this missense change (SIFT: "Tolerated"; PolyPhen-2: "Not Available"; Align-GVGD: "Class C0").

NM_001290043.2(TAP2):c.1499C>T (p.Ala500Val)

Gene: TAP2 (transporter 2, ATP binding cassette subfamily B member; minus strand). Cytogenetic location: 6p21.32.
Variant type: single nucleotide variant.
Coding change: c.1499C>T on transcript NM_001290043.2 (MANE Select); coding-DNA position 1499, C replaced by T.
Protein change: p.Ala500Val; replaces alanine 500 with valine.
Molecular consequence: missense variant.
Genome position (GRCh38, 1-based): chr6:32,830,403, G>A on the plus strand (C>T on the coding strand, the complement: TAP2 is on the minus strand). VCF-style: chr6-32830403-G-A. GRCh37 (hg19) VCF-style: chr6-32798180-G-A.
Other names: c.1499C>T, p.Ala500Val (NM_000544.3, NM_018833.3); short protein forms A500V.
Identifiers: ClinVar variation 1011974 (VCV001011974.7), dbSNP rs150217191, ClinGen allele CA3745879.